The following is an entry in ClinVar:

NM_002528.7(NTHL1):c.160_161del (p.Gln54fs)

Gene: NTHL1 (nth like DNA glycosylase 1; minus strand). Cytogenetic location: 16p13.3.
Variant type: Microsatellite.
Coding change: c.160_161del on transcript NM_002528.7 (MANE Select); coding-DNA positions 160 to 161, 2 bases deleted (CA; older notation c.160_161delCA).
Protein change: p.Gln54fs; shifts the reading frame from glutamine 54.
Molecular consequence: frameshift variant. On other transcripts: 5 prime UTR variant (1).
Genome position (GRCh38, 1-based): chr16:2,046,321-2,046,322, TG deleted on the plus strand (CA on the coding strand, the reverse complement: NTHL1 is on the minus strand); deleting any 2 consecutive bases within chr16:2,046,321-2,046,324 gives the same sequence; the c. name uses the placement nearest the transcript's 3' end. VCF-style (leftmost placement, unchanged base first): chr16-2046320-CTG-C. GRCh37 (hg19) VCF-style: chr16-2096321-CTG-C.
Other names: c.160_161del, p.Gln54fs (NM_001318193.2); c.-21CA[1] (NM_001318194.2); c.184_185delCA (NM_002528.5); short protein forms Q54fs.
Identifiers: ClinVar variation 1075052 (VCV001075052.9), dbSNP rs2150947238, ClinGen allele CA2580612698.

ClinVar aggregate classification (germline): Pathogenic. Review status: criteria provided, multiple submitters, no conflicts (2 of 4 stars). 3 submissions from 3 submitters: Pathogenic (3). Last evaluated 2025-10-09.

Conditions:
Hereditary cancer-predisposing syndrome. Also called: Neoplastic Syndromes, Hereditary; Tumor predisposition; Hereditary Cancer Syndrome; Hereditary neoplastic syndrome. Identifiers: Orphanet 140162, MedGen C0027672, MeSH D009386, MONDO:0015356.
Familial adenomatous polyposis 3. Also called: NTHL1-Related Adenomatous Polyposis and Colorectal Cancer; NTHL1 Tumor Syndrome; NTHL1-associated polyposis; NTHL1-related attenuated familial adenomatous polyposis. Identifiers: Orphanet 220460, Orphanet 454840, MedGen C4225157, MONDO:0014630, OMIM 616415.

Submissions (3):

Labcorp Genetics (formerly Invitae), Labcorp
Classification: Pathogenic. Last evaluated: 2025-10-09. Review status: criteria provided, single submitter. Criteria: Invitae Variant Classification Sherloc (09022015). Collection method: clinical testing. Allele origin: germline.
Comment: This sequence change creates a premature translational stop signal (p.Gln62Glufs*7) in the NTHL1 gene. It is expected to result in an absent or disrupted protein product. Loss-of-function variants in NTHL1 are known to be pathogenic (PMID: 25938944, 26559593). This variant is not present in population databases (gnomAD no frequency). This variant has not been reported in the literature in individuals affected with NTHL1-related conditions. For these reasons, this variant has been classified as Pathogenic.

Myriad Genetics, Inc.
Classification: Pathogenic for Familial adenomatous polyposis 3. Last evaluated: 2023-08-31. Review status: criteria provided, single submitter. Criteria: Myriad Autosomal Dominant, Autosomal Recessive and X-Linked Classification Criteria (2023). Collection method: clinical testing. Allele origin: unknown.
Comment: This variant is considered pathogenic. This variant creates a frameshift predicted to result in premature protein truncation.

Ambry Genetics
Classification: Pathogenic for Hereditary cancer-predisposing syndrome. Last evaluated: 2023-05-25. Review status: criteria provided, single submitter. Criteria: Ambry Variant Classification Scheme 2023. Collection method: clinical testing. Allele origin: germline.
Comment: The c.184_185delCA pathogenic mutation, located in coding exon 2 of the NTHL1 gene, results from a deletion of two nucleotides at nucleotide positions 184 to 185, causing a translational frameshift with a predicted alternate stop codon (p.Q62Efs*7). This alteration is expected to result in loss of function by premature protein truncation or nonsense-mediated mRNA decay. As such, this alteration is interpreted as a disease-causing mutation.

Literature cited by the submitters: PubMed 25938944 (cited by Labcorp Genetics (formerly Invitae), Labcorp); PubMed 26559593 (cited by Labcorp Genetics (formerly Invitae), Labcorp).